The following is an entry in ClinVar:

NM_001037763.3(COL28A1):c.1792-2A>G

Gene: COL28A1 (collagen type XXVIII alpha 1 chain; minus strand). Cytogenetic location: 7p21.3.
Variant type: single nucleotide variant.
Coding change: c.1792-2A>G on transcript NM_001037763.3 (MANE Select); the canonical splice acceptor site of the intron before coding-DNA position 1792, A replaced by G.
Molecular consequence: splice acceptor variant.
Genome position (GRCh38, 1-based): chr7:7,436,465, T>C on the plus strand (A>G on the coding strand, the complement: COL28A1 is on the minus strand). VCF-style: chr7-7436465-T-C. GRCh37 (hg19) VCF-style: chr7-7476096-T-C.
Identifiers: ClinVar variation 4885016 (VCV004885016.2).

ClinVar aggregate classification (germline): Uncertain significance (1 of 4 stars; one submission).

gnomAD v4.1: 2 of 1,305,082 alleles (0.00015%); highest among the groups gnomAD compares: Admixed American, 0.0017%; no homozygotes.

Submission:

Dasa
Classification: Uncertain significance. Last evaluated: 2025-10-24. Review status: criteria provided, single submitter. Criteria: DASA Assertion Criteria. Collection method: clinical testing. Allele origin: germline.
Comment: NM_001037763.3(COL28A1):c.1792-2A>G affects a canonical splice site and is predicted to disrupt normal RNA splicing. This variant is rare in population databases. The currently available literature and clinical evidence are not sufficient to establish a definitive association between this variant and the reported condition. Therefore, this variant is classified as a variant of uncertain significance.